The following is an entry in ClinVar:

NM_004415.4(DSP):c.2303G>A (p.Cys768Tyr)

Gene: DSP (desmoplakin; plus strand). Cytogenetic location: 6p24.3.
Variant type: single nucleotide variant.
Coding change: c.2303G>A on transcript NM_004415.4 (MANE Select); coding-DNA position 2303, G replaced by A.
Protein change: p.Cys768Tyr; replaces cysteine 768 with tyrosine.
Molecular consequence: missense variant.
Genome position (GRCh38, 1-based): chr6:7,574,662, G>A. VCF-style: chr6-7574662-G-A. GRCh37 (hg19) VCF-style: chr6-7574895-G-A.
Other names: c.2303G>A, p.Cys768Tyr (NM_001008844.3, NM_001319034.2); short protein forms C768Y.
Identifiers: ClinVar variation 921254 (VCV000921254.4), dbSNP rs1759176721, ClinGen allele CA362681030.

ClinVar aggregate classification (germline): Uncertain significance (1 of 4 stars; one submission).

Conditions:
Cardiomyopathy (CMYO). Also called: Cardiomyopathies. Identifiers: Orphanet 167848, MedGen C0878544, MONDO:0004994, HP:0001638. Inheritance: Various modes of inheritance.

Submission:

Color Diagnostics, LLC DBA Color Health
Classification: Uncertain significance for Cardiomyopathy. Last evaluated: 2024-03-07. Review status: criteria provided, single submitter. Criteria: ACMG Guidelines, 2015. Collection method: clinical testing. Allele origin: germline.
Comment: This missense variant replaces cysteine with tyrosine at codon 768 of the DSP protein. Computational prediction suggests that this variant may not impact protein structure and function (internally defined REVEL score threshold <= 0.5, PMID: 27666373). To our knowledge, functional studies have not been reported for this variant. This variant has not been reported in individuals affected with cardiovascular disorders in the literature. This variant has not been identified in the general population by the Genome Aggregation Database (gnomAD). The available evidence is insufficient to determine the role of this variant in disease conclusively. Therefore, this variant is classified as a Variant of Uncertain Significance.